The following is an entry in ClinVar:

NM_000257.4(MYH7):c.5332C>T (p.His1778Tyr)

Gene: MYH7 (myosin heavy chain 7; minus strand). Cytogenetic location: 14q11.2.
Variant type: single nucleotide variant.
Coding change: c.5332C>T on transcript NM_000257.4 (MANE Select); coding-DNA position 5332, C replaced by T.
Protein change: p.His1778Tyr; replaces histidine 1778 with tyrosine.
Molecular consequence: missense variant.
Genome position (GRCh38, 1-based): chr14:23,415,222, G>A on the plus strand (C>T on the coding strand, the complement: MYH7 is on the minus strand). VCF-style: chr14-23415222-G-A. GRCh37 (hg19) VCF-style: chr14-23884431-G-A.
Other names: short protein forms H1778Y.
Identifiers: ClinVar variation 43062 (VCV000043062.21), dbSNP rs397516244, ClinGen allele CA015967.

ClinVar aggregate classification (germline): Uncertain significance. Review status: criteria provided, multiple submitters, no conflicts (2 of 4 stars). 6 submissions from 6 submitters: Uncertain significance (4). 2 of the submissions do not count toward it. Last evaluated 2026-08-19.

Conditions:
Hypertrophic cardiomyopathy 1 (CMH1). Also called: Familial hypertrophic cardiomyopathy 1; MYH7-Related Familial Hypertrophic Cardiomyopathy. Identifiers: MedGen C3495498, MONDO:0008647, OMIM 192600.
Hypertrophic cardiomyopathy. Also called: HYPERTROPHIC MYOCARDIOPATHY. Identifiers: Orphanet 217569, MedGen C0007194, MeSH D002312, MONDO:0005045, HP:0001639.

Allele frequency attached by ClinVar (database versions not stated): gnomAD exomes below 0.00001.
gnomAD v4.1: 1 of 1,614,242 alleles (0.000062%); highest among the groups gnomAD compares: Non-Finnish European, 0.000085%; no homozygotes.

Submissions (6):

MVZ Medizinische Genetik Mainz
Classification: Uncertain significance for Hypertrophic cardiomyopathy 1. Last evaluated: 2026-08-19. Review status: criteria provided, single submitter. Criteria: UK Practice Guidelines For Variant Classification V4 01 2020. Collection method: clinical testing. Allele origin: germline. Inheritance: Autosomal dominant inheritance. Affected: yes. Observed: 1 variant allele.
Comment: ACMG Criteria: PS4_MOD,PM2_SUP

Labcorp Genetics (formerly Invitae), Labcorp
Classification: Uncertain significance for Hypertrophic cardiomyopathy. Last evaluated: 2025-12-08. Review status: criteria provided, single submitter. Criteria: Invitae Variant Classification Sherloc (09022015). Collection method: clinical testing. Allele origin: germline.
Comment: This sequence change replaces histidine, which is basic and polar, with tyrosine, which is neutral and polar, at codon 1778 of the MYH7 protein (p.His1778Tyr). This variant is not present in population databases (gnomAD no frequency). This missense change has been observed in individual(s) with hypertrophic cardiomyopathy (PMID: 27532257, 37652022). ClinVar contains an entry for this variant (Variation ID: 43062). Invitae Evidence Modeling of protein sequence and biophysical properties (such as structural, functional, and spatial information, amino acid conservation, physicochemical variation, residue mobility, and thermodynamic stability) indicates that this missense variant is expected to disrupt MYH7 protein function with a positive predictive value of 95%. In summary, the available evidence is currently insufficient to determine the role of this variant in disease. Therefore, it has been classified as a Variant of Uncertain Significance.

Revvity Omics, Revvity
Classification: Uncertain significance. Last evaluated: 2020-10-08. Review status: criteria provided, single submitter. Criteria: ACMG Guidelines, 2015. Collection method: clinical testing. Allele origin: germline.

Laboratory for Molecular Medicine, Mass General Brigham Personalized Medicine
Classification: Uncertain significance. Last evaluated: 2014-01-19. Review status: criteria provided, single submitter. Criteria: LMM Criteria. Collection method: clinical testing. Allele origin: germline. Observed: 2 variant alleles.
Comment: proposed classification - variant undergoing re-assessment, contact laboratory

Clinical Genetics DNA and cytogenetics Diagnostics Lab, Erasmus MC, Erasmus Medical Center
Classification: Uncertain significance. Review status: no assertion criteria provided. Collection method: clinical testing. Allele origin: germline. Affected: yes. Study: VKGL Data-share Consensus. Not counted in ClinVar's aggregate classification.

Clinical Genetics, Academic Medical Center
Classification: Uncertain significance. Review status: no assertion criteria provided. Collection method: clinical testing. Allele origin: germline. Affected: yes. Study: VKGL Data-share Consensus. Not counted in ClinVar's aggregate classification.

Literature cited by the submitters: PubMed 27532257 (cited by Labcorp Genetics (formerly Invitae), Labcorp); PubMed 37652022 (cited by Labcorp Genetics (formerly Invitae), Labcorp).